The following is an entry in ClinVar:

NM_000257.4(MYH7):c.1358G>T (p.Arg453Leu)

Gene: MYH7 (myosin heavy chain 7; minus strand). Cytogenetic location: 14q11.2.
Variant type: single nucleotide variant.
Coding change: c.1358G>T on transcript NM_000257.4 (MANE Select); coding-DNA position 1358, G replaced by T.
Protein change: p.Arg453Leu; replaces arginine 453 with leucine.
Molecular consequence: missense variant.
Genome position (GRCh38, 1-based): chr14:23,429,004, C>A on the plus strand (G>T on the coding strand, the complement: MYH7 is on the minus strand). VCF-style: chr14-23429004-C-A. GRCh37 (hg19) VCF-style: chr14-23898213-C-A.
Other names: c.1358G>T (LRG_384t1); short protein forms R453L.
Identifiers: ClinVar variation 235026 (VCV000235026.16), dbSNP rs397516101, ClinGen allele CA10581177.

ClinVar aggregate classification (germline): Conflicting classifications of pathogenicity. Review status: criteria provided, conflicting classifications (1 of 4 stars). 4 submissions from 4 submitters: Likely pathogenic (3); Uncertain significance (1). Last evaluated 2024-12-03.

Conditions:
Cardiovascular phenotype. Identifiers: MedGen CN230736.
Hypertrophic cardiomyopathy. Also called: HYPERTROPHIC MYOCARDIOPATHY. Identifiers: Orphanet 217569, MedGen C0007194, MeSH D002312, MONDO:0005045, HP:0001639.

Submissions (4):

Ambry Genetics
Classification: Likely pathogenic for Cardiovascular phenotype. Last evaluated: 2024-12-03. Review status: criteria provided, single submitter. Criteria: Ambry Variant Classification Scheme 2023. Collection method: clinical testing. Allele origin: germline.
Comment: The p.R453L variant (also known as c.1358G>T), located in coding exon 12 of the MYH7 gene, results from a G to T substitution at nucleotide position 1358. The arginine at codon 453 is replaced by leucine, an amino acid with dissimilar properties. This variant was reported in individual(s) with features consistent with hypertrophic cardiomyopathy (HCM) (Lopes LR et al. Heart, 2015 Feb;101:294-301; Harper AR et al. Nat Genet, 2021 02;53:135-142; Ambry internal data). This alteration is located in the myosin head domain, which contains a statistically significant clustering of pathogenic missense variants (Homburger JR et al. Proc Natl Acad Sci U S A, 2016 06;113:6701-6; Walsh R et al. Genet Med, 2017 02;19:192-203; Ambry internal data). In addition, Other variant(s) at the same codon, p.R453H (c.1358G>T), have been reported in association with HCM (Frazier A et al. Pediatr Cardiol, 2008 Jul;29:846-50; Walsh R et al. Genet. Med., 2017 02;19:192-203). This variant is considered to be rare based on population cohorts in the Genome Aggregation Database (gnomAD). This amino acid position is highly conserved in available vertebrate species. In addition, this alteration is predicted to be deleterious by in silico analysis. Based on the majority of available evidence to date, this variant is likely to be pathogenic.

All of Us Research Program, National Institutes of Health
Classification: Likely pathogenic for Hypertrophic cardiomyopathy. Last evaluated: 2023-04-24. Review status: criteria provided, single submitter. Criteria: ACMG Guidelines, 2015. Collection method: clinical testing. Allele origin: germline. Inheritance: Autosomal dominant inheritance. Observed: 1 variant allele, 1 heterozygote.
Comment: This missense variant replaces arginine with leucine at codon 453 of the MYH7 protein. This variant is found within a highly conserved region of the myosin head domain. Missense variants in this region have been shown to be significantly overrepresented in individuals with hypertrophic cardiomyopathy (PMID: 27532257). Computational prediction suggests that this variant may have deleterious impact on protein structure and function (internally defined REVEL score threshold >= 0.7, PMID: 27666373). To our knowledge, functional studies have not been reported for this variant. This variant has been reported in at least one individual affected with hypertrophic cardiomyopathy (PMID: 25351510, 33495597). This variant has not been identified in the general population by the Genome Aggregation Database (gnomAD). Different variants occurring at the same codon: p.Arg453Cys, p.Arg453His, and p.Arg453Ser, are well documented pathogenic mutations (Clinvar variation ID: 14089, 42838, 14129), indicating that arginine at this position is important for MYH7 protein function. Based on the available evidence, this variant is classified as Likely Pathogenic.

This study involves interpretation of variants in research participants for the purpose of population health screening. Participant phenotype was not available at the time of variant classification. Additional details can be found in publication PMID: 35346344, PMCID: PMC8962531

Labcorp Genetics (formerly Invitae), Labcorp
Classification: Likely pathogenic for Hypertrophic cardiomyopathy. Last evaluated: 2022-09-19. Review status: criteria provided, single submitter. Criteria: Invitae Variant Classification Sherloc (09022015). Collection method: clinical testing. Allele origin: germline.
Comment: This sequence change replaces arginine, which is basic and polar, with leucine, which is neutral and non-polar, at codon 453 of the MYH7 protein (p.Arg453Leu). In summary, the currently available evidence indicates that the variant is pathogenic, but additional data are needed to prove that conclusively. Therefore, this variant has been classified as Likely Pathogenic. This variant disrupts the p.Arg453 amino acid residue in MYH7. Other variant(s) that disrupt this residue have been determined to be pathogenic (PMID: 11133230, 12975413, 17599605, 24093860, 24111713; 20031618 23283745). This suggests that this residue is clinically significant, and that variants that disrupt this residue are likely to be disease-causing. Advanced modeling of protein sequence and biophysical properties (such as structural, functional, and spatial information, amino acid conservation, physicochemical variation, residue mobility, and thermodynamic stability) performed at Invitae indicates that this missense variant is expected to disrupt MYH7 protein function. ClinVar contains an entry for this variant (Variation ID: 235026). This missense change has been observed in individual(s) with clinical features of MYH7-related conditions (PMID: 21520333). This variant is not present in population databases (gnomAD no frequency).

Stanford Center for Inherited Cardiovascular Disease, Stanford University
Classification: Uncertain significance. Last evaluated: 2015-06-02. Review status: criteria provided, single submitter. Criteria: ACMG Guidelines, 2015. Collection method: provider interpretation. Allele origin: germline.

Literature cited by the submitters: PubMed 25351510 (cited by Ambry Genetics and All of Us Research Program, National Institutes of Health); PubMed 33495597 (cited by Ambry Genetics and All of Us Research Program, National Institutes of Health); PubMed 27532257 (cited by All of Us Research Program, National Institutes of Health); PubMed 11133230 (cited by Labcorp Genetics (formerly Invitae), Labcorp); PubMed 12975413 (cited by Labcorp Genetics (formerly Invitae), Labcorp); PubMed 17599605 (cited by Labcorp Genetics (formerly Invitae), Labcorp); PubMed 24093860 (cited by Labcorp Genetics (formerly Invitae), Labcorp); PubMed 24111713 (cited by Labcorp Genetics (formerly Invitae), Labcorp); PubMed 20031618 (cited by Labcorp Genetics (formerly Invitae), Labcorp); PubMed 23283745 (cited by Labcorp Genetics (formerly Invitae), Labcorp); PubMed 21520333 (cited by Labcorp Genetics (formerly Invitae), Labcorp).